The following is an entry in ClinVar:

NM_030962.4(SBF2):c.2798A>G (p.Asp933Gly)

Genes: SBF2 (SET binding factor 2; minus strand), LOC101928008 (uncharacterized LOC101928008; plus strand). Cytogenetic location: 11p15.4.
Variant type: single nucleotide variant.
Coding change: c.2798A>G on transcript NM_030962.4 (MANE Select); coding-DNA position 2798, A replaced by G.
Protein change: p.Asp933Gly; replaces aspartic acid 933 with glycine.
Molecular consequence: missense variant.
Genome position (GRCh38, 1-based): chr11:9,850,031, T>C on the plus strand (A>G on the coding strand, the complement: SBF2 is on the minus strand). VCF-style: chr11-9850031-T-C. GRCh37 (hg19) VCF-style: chr11-9871578-T-C.
Other names: c.2669A>G, p.Asp890Gly (NM_001386342.1); c.2798A>G, p.Asp933Gly (NM_001386339.1); short protein forms D890G, D933G.
Identifiers: ClinVar variation 2052112 (VCV002052112.5), dbSNP rs2494824050, ClinGen allele CA379635368.

ClinVar aggregate classification (germline): Uncertain significance. Review status: criteria provided, multiple submitters, no conflicts (2 of 4 stars). 2 submissions from 2 submitters: Uncertain significance (2). Last evaluated 2026-02-11.

Conditions:
Charcot-Marie-Tooth disease type 4. Also called: Charcot-Marie-Tooth, Type 4; Charcot-Marie-Tooth disease, type IV. Identifiers: Orphanet 64749, MedGen C4082197, MONDO:0018995.

Submissions (2):

Women's Health and Genetics/Laboratory Corporation of America, LabCorp
Classification: Uncertain significance. Last evaluated: 2026-02-11. Review status: criteria provided, single submitter. Criteria: LabCorp Variant Classification Summary - May 2015. Collection method: clinical testing. Allele origin: germline.
Comment: Variant summary: SBF2 c.2798A>G (p.Asp933Gly) results in a non-conservative amino acid change in the encoded protein sequence. Algorithms developed to predict the effect of missense changes on protein structure and function all suggest that this variant is likely to be disruptive. The variant was absent in 251090 control chromosomes. The available data on variant occurrences in the general population are insufficient to allow any conclusion about variant significance. To our knowledge, no occurrence of c.2798A>G in individuals affected with SBF2-related conditions and no experimental evidence demonstrating its impact on protein function have been reported. ClinVar contains an entry for this variant (Variation ID: 2052112). Based on the evidence outlined above, the variant was classified as uncertain significance.

Labcorp Genetics (formerly Invitae), Labcorp
Classification: Uncertain significance for Charcot-Marie-Tooth disease type 4. Last evaluated: 2022-04-04. Review status: criteria provided, single submitter. Criteria: Invitae Variant Classification Sherloc (09022015). Collection method: clinical testing. Allele origin: germline.
Comment: In summary, the available evidence is currently insufficient to determine the role of this variant in disease. Therefore, it has been classified as a Variant of Uncertain Significance. Algorithms developed to predict the effect of sequence changes on RNA splicing suggest that this variant may disrupt the consensus splice site. Algorithms developed to predict the effect of missense changes on protein structure and function are either unavailable or do not agree on the potential impact of this missense change (SIFT: "Deleterious"; PolyPhen-2: "Probably Damaging"; Align-GVGD: "Class C0"). This variant has not been reported in the literature in individuals affected with SBF2-related conditions. This variant is not present in population databases (gnomAD no frequency). This sequence change replaces aspartic acid, which is acidic and polar, with glycine, which is neutral and non-polar, at codon 933 of the SBF2 protein (p.Asp933Gly).